The following is an entry in ClinVar:

ClinVar aggregate classification (germline): Conflicting classifications of pathogenicity. Review status: criteria provided, conflicting classifications (1 of 4 stars). 9 submissions from 9 submitters: Uncertain significance (1); Benign (1); Likely benign (7). Last evaluated 2026-09-01.

Conditions:
Hereditary spastic paraplegia 7 (SPG7). Also called: Spastic paraplegia 7; Hereditary spastic paraplegia Paraplegin type; Autosomal recessive spastic paraplegia type 7; SPASTIC PARAPLEGIA 7, AUTOSOMAL RECESSIVE, WITH OR WITHOUT CEREBELLAR ATAXIA; SPG7-related neurologic disorder. Identifiers: Orphanet 99013, MedGen C1846564, MONDO:0011803, OMIM 607259.
Hereditary spastic paraplegia. Also called: Familial spastic paraparesis. Identifiers: Orphanet 685, MedGen C0037773, MONDO:0019064. Disease mechanism: loss of function.

Allele frequency attached by ClinVar (database versions not stated): ExAC 0.00057; gnomAD 0.00061 and 0.00066; gnomAD exomes 0.00068; ESP Exome Variant Server 0.00069; 1000 Genomes Project 30x 0.00078; TOPMed 0.00079; 1000 Genomes Project 0.00100.
gnomAD v4.1: 1,059 of 1,534,216 alleles (0.069%); highest among the groups gnomAD compares: Admixed American, 0.17%; no homozygotes.

Submissions (9):

CeGaT Center for Human Genetics Tuebingen
Classification: Likely benign. Last evaluated: 2026-09-01. Review status: criteria provided, single submitter. Criteria: CeGaT Center For Human Genetics Tuebingen Variant Classification Criteria Version 2. Collection method: clinical testing. Allele origin: germline. Affected: yes. Observed: 12 variant alleles.
Comment: SPG7: BP4, BP7

Labcorp Genetics (formerly Invitae), Labcorp
Classification: Likely benign for Hereditary spastic paraplegia 7. Last evaluated: 2025-12-23. Review status: criteria provided, single submitter. Criteria: Invitae Variant Classification Sherloc (09022015). Collection method: clinical testing. Allele origin: germline.

Mayo Clinic Laboratories, Mayo Clinic
Classification: Likely benign. Last evaluated: 2025-04-01. Review status: criteria provided, single submitter. Criteria: ACMG Guidelines, 2015. Collection method: clinical testing. Allele origin: germline. Observed: 5 variant alleles.
Comment: BP4, BP7

Laboratory of Genetics, Children's Clinical University Hospital Latvia
Classification: Likely benign. Last evaluated: 2025-02-16. Review status: criteria provided, single submitter. Criteria: ACMG Guidelines, 2015. Collection method: clinical testing. Allele origin: germline. Affected: yes.

Women's Health and Genetics/Laboratory Corporation of America, LabCorp
Classification: Likely benign. Last evaluated: 2025-02-14. Review status: criteria provided, single submitter. Criteria: LabCorp Variant Classification Summary - May 2015. Collection method: clinical testing. Allele origin: germline.

Blueprint Genetics
Classification: Likely benign. Last evaluated: 2024-11-06. Review status: criteria provided, single submitter. Criteria: ACMG Guidelines, 2015. Collection method: clinical testing. Allele origin: germline.

Genome Diagnostics Laboratory, The Hospital for Sick Children
Classification: Likely benign for Hereditary spastic paraplegia. Last evaluated: 2019-01-01. Review status: criteria provided, single submitter. Criteria: ACMG Guidelines, 2015. Collection method: clinical testing. Allele origin: germline. Affected: yes.

Illumina Laboratory Services, Illumina
Classification: Uncertain significance for Hereditary spastic paraplegia 7. Last evaluated: 2018-01-13. Review status: criteria provided, single submitter. Criteria: ICSL Variant Classification Criteria 13 December 2019. Collection method: clinical testing. Allele origin: germline.

GeneDx
Classification: Benign. Last evaluated: 2014-09-08. Review status: criteria provided, single submitter. Criteria: GeneDx Variant Classification (06012015). Collection method: clinical testing. Allele origin: germline. Affected: yes.
Comment: This variant is considered likely benign or benign based on one or more of the following criteria: it is a conservative change, it occurs at a poorly conserved position in the protein, it is predicted to be benign by multiple in silico algorithms, and/or has population frequency not consistent with disease.

NM_003119.4(SPG7):c.199C>T (p.Leu67=)

Gene: SPG7 (SPG7 matrix AAA peptidase subunit, paraplegin; plus strand). Cytogenetic location: 16q24.3.
Variant type: single nucleotide variant.
Coding change: c.199C>T on transcript NM_003119.4 (MANE Select); coding-DNA position 199, C replaced by T.
Protein change: p.Leu67=; no amino-acid change (leucine 67 retained).
Molecular consequence: synonymous variant.
Genome position (GRCh38, 1-based): chr16:89,510,505, C>T. VCF-style: chr16-89510505-C-T. GRCh37 (hg19) VCF-style: chr16-89576913-C-T.
Other names: p.L67L:CTG>TTG; p.Leu67=; c.199C>T, p.Leu67= (NM_001363850.1, NM_199367.3).
Identifiers: ClinVar variation 215187 (VCV000215187.55), dbSNP rs148315471, ClinGen allele CA322268.
Genomic context (GRCh38, chr16:89,510,505, plus strand): 5'-CTAATGTTGGTGTGACCTCCAGTATTGTTTTTTTTTTTTTTTCAGAGCTTACAATTGAGA[C>T]TGCTAACCCCTACCTTTGAAGGGATCAACGGATTGTTGTTGAAACAACATTTAGTTCAGA-3'
Protein context (NP_003110.1, residues 57-77): GRALQSLQLR[Leu67=]LTPTFEGING